The following is an entry in ClinVar:

NM_002775.5(HTRA1):c.610G>A (p.Gly204Arg)

Gene: HTRA1 (HtrA serine peptidase 1; plus strand). Cytogenetic location: 10q26.13.
Variant type: single nucleotide variant.
Coding change: c.610G>A on transcript NM_002775.5 (MANE Select); coding-DNA position 610, G replaced by A.
Protein change: p.Gly204Arg; replaces glycine 204 with arginine.
Molecular consequence: missense variant.
Genome position (GRCh38, 1-based): chr10:122,489,459, G>A. VCF-style: chr10-122489459-G-A. GRCh37 (hg19) VCF-style: chr10-124248975-G-A.
Other names: short protein forms G204R.
Identifiers: ClinVar variation 2851827 (VCV002851827.3), dbSNP rs2497622750, ClinGen allele CA378580878.

ClinVar aggregate classification (germline): Uncertain significance (1 of 4 stars; one submission).

Submission:

Labcorp Genetics (formerly Invitae), Labcorp
Classification: Uncertain significance. Last evaluated: 2023-04-03. Review status: criteria provided, single submitter. Criteria: Invitae Variant Classification Sherloc (09022015). Collection method: clinical testing. Allele origin: germline.
Comment: This variant has not been reported in the literature in individuals affected with HTRA1-related conditions. This variant is not present in population databases (gnomAD no frequency). This sequence change replaces glycine, which is neutral and non-polar, with arginine, which is basic and polar, at codon 204 of the HTRA1 protein (p.Gly204Arg). Advanced modeling of protein sequence and biophysical properties (such as structural, functional, and spatial information, amino acid conservation, physicochemical variation, residue mobility, and thermodynamic stability) performed at Invitae indicates that this missense variant is expected to disrupt HTRA1 protein function. In summary, the available evidence is currently insufficient to determine the role of this variant in disease. Therefore, it has been classified as a Variant of Uncertain Significance.